The following is an entry in ClinVar:

ClinVar aggregate classification (germline): Uncertain significance (1 of 4 stars; one submission).

Conditions:
Hereditary cancer-predisposing syndrome. Also called: Hereditary neoplastic syndrome; Tumor predisposition; Neoplastic Syndromes, Hereditary; Hereditary Cancer Syndrome. Identifiers: Orphanet 140162, MedGen C0027672, MeSH D009386, MONDO:0015356.

Submission:

Labcorp Genetics (formerly Invitae), Labcorp
Classification: Uncertain significance for Hereditary cancer-predisposing syndrome. Last evaluated: 2021-11-02. Review status: criteria provided, single submitter. Criteria: Invitae Variant Classification Sherloc (09022015). Collection method: clinical testing. Allele origin: germline.
Comment: This variant, c.1601_1630dup, results in the insertion of 10 amino acid(s) of the RAD50 protein (p.Lys543_Asp544insAlaArgThrGlnMetGluMetLeuThrLys), but otherwise preserves the integrity of the reading frame. This variant is not present in population databases (gnomAD no frequency). This variant has not been reported in the literature in individuals affected with RAD50-related conditions. Algorithms developed to predict the effect of sequence changes on RNA splicing suggest that this variant may create or strengthen a splice site. In summary, the available evidence is currently insufficient to determine the role of this variant in disease. Therefore, it has been classified as a Variant of Uncertain Significance.

NM_005732.4(RAD50):c.1601_1630dup (p.Lys543_Asp544insAlaArgThrGlnMetGluMetLeuThrLys)

Gene: RAD50 (RAD50 double strand break repair protein; plus strand). Cytogenetic location: 5q31.1.
Variant type: Duplication.
Coding change: c.1601_1630dup on transcript NM_005732.4 (MANE Select); coding-DNA positions 1601 to 1630, 30 bases duplicated (CACGTACCCAAATGGAGATGCTGACCAAAG).
Protein change: p.Lys543_Asp544insAlaArgThrGlnMetGluMetLeuThrLys.
Molecular consequence: inframe insertion.
Genome position (GRCh38, 1-based): chr5:132,591,372-132,591,401, CACGTACCCAAATGGAGATGCTGACCAAAG duplicated. VCF-style (leftmost placement, unchanged base first): chr5-132591371-A-ACACGTACCCAAATGGAGATGCTGACCAAAG. GRCh37 (hg19) VCF-style: chr5-131927063-A-ACACGTACCCAAATGGAGATGCTGACCAAAG.
Identifiers: ClinVar variation 1501188 (VCV001501188.6), dbSNP rs2149842318, ClinGen allele CA2573138994.
Genomic context (GRCh38, chr5:132,591,371, plus strand): 5'-TTAGACAGGACCCTGCGTAAACTTGACCAGGAGATGGAGCAGTTAAACCATCATACAACA[A>ACACGTACCCAAATGGAGATGCTGACCAAAG]CACGTACCCAAATGGAGATGCTGACCAAAGACAAAGTATGATTTTTCTTTTTGTTCTAAT-3'